The following is an entry in ClinVar:

ClinVar aggregate classification (germline): Uncertain significance (1 of 4 stars; one submission).

Conditions:
Duchenne muscular dystrophy (DMD). Also called: MUSCULAR DYSTROPHY, PSEUDOHYPERTROPHIC PROGRESSIVE, DUCHENNE TYPE; Duchenne Muscular Dystrophy (DMD). Identifiers: Orphanet 98896, MedGen C0013264, MONDO:0010679, OMIM 310200.

Submission:

Labcorp Genetics (formerly Invitae), Labcorp
Classification: Uncertain significance for Duchenne muscular dystrophy. Last evaluated: 2022-11-01. Review status: criteria provided, single submitter. Criteria: Invitae Variant Classification Sherloc (09022015). Collection method: clinical testing. Allele origin: germline.
Comment: In summary, the available evidence is currently insufficient to determine the role of this variant in disease. Therefore, it has been classified as a Variant of Uncertain Significance. Advanced modeling of protein sequence and biophysical properties (such as structural, functional, and spatial information, amino acid conservation, physicochemical variation, residue mobility, and thermodynamic stability) performed at Invitae indicates that this missense variant is not expected to disrupt DMD protein function. This variant has not been reported in the literature in individuals affected with DMD-related conditions. This variant is not present in population databases (gnomAD no frequency). This sequence change replaces lysine, which is basic and polar, with threonine, which is neutral and polar, at codon 1377 of the DMD protein (p.Lys1377Thr).

NM_004006.3(DMD):c.4130A>C (p.Lys1377Thr)

Gene: DMD (dystrophin; minus strand). Cytogenetic location: Xp21.1.
Variant type: single nucleotide variant.
Coding change: c.4130A>C on transcript NM_004006.3 (MANE Select); coding-DNA position 4130, A replaced by C.
Protein change: p.Lys1377Thr; replaces lysine 1377 with threonine.
Molecular consequence: missense variant.
Genome position (GRCh38, 1-based): chrX:32,411,855, T>G on the plus strand (A>C on the coding strand, the complement: DMD is on the minus strand). VCF-style: chrX-32411855-T-G. GRCh37 (hg19) VCF-style: chrX-32429972-T-G.
Other names: c.4106A>C, p.Lys1369Thr (NM_000109.4); c.4118A>C, p.Lys1373Thr (NM_004009.3); c.3761A>C, p.Lys1254Thr (NM_004010.3); c.107A>C, p.Lys36Thr (NM_004011.4); c.98A>C, p.Lys33Thr (NM_004012.4); short protein forms K1254T, K1369T, K1373T, K1377T, K33T, K36T.
Identifiers: ClinVar variation 1715508 (VCV001715508.6), dbSNP rs2523601000, ClinGen allele CA412666496.